The following is an entry in ClinVar:

NM_138477.4(CDAN1):c.2035C>T (p.Leu679=)

Gene: CDAN1 (codanin 1; minus strand). Cytogenetic location: 15q15.2.
Variant type: single nucleotide variant.
Coding change: c.2035C>T on transcript NM_138477.4 (MANE Select); coding-DNA position 2035, C replaced by T.
Protein change: p.Leu679=; no amino-acid change (leucine 679 retained).
Molecular consequence: synonymous variant.
Genome position (GRCh38, 1-based): chr15:42,730,737, G>A on the plus strand (C>T on the coding strand, the complement: CDAN1 is on the minus strand). VCF-style: chr15-42730737-G-A. GRCh37 (hg19) VCF-style: chr15-43022935-G-A.
Identifiers: ClinVar variation 5000319 (VCV005000319.1).

ClinVar aggregate classification (germline): Likely benign (1 of 4 stars; one submission).

Conditions:
CDAN1-related disorder. Also called: CDAN1-related condition.

gnomAD v4.1: 2 of 1,612,652 alleles (0.00012%); highest among the groups gnomAD compares: Admixed American, 0.0017%; no homozygotes.

Submission:

PreventionGenetics, part of Exact Sciences
Classification: Likely benign for CDAN1-related condition. Last evaluated: 2025-07-08. Review status: criteria provided, single submitter. Criteria: ACMG Guidelines, 2015. Collection method: clinical testing. Allele origin: germline.
Comment: This variant is classified as likely benign based on ACMG/AMP sequence variant interpretation guidelines (Richards et al. 2015 PMID: 25741868, with internal and published modifications).